The following is an entry in ClinVar:

NM_152564.5(VPS13B):c.6816A>G (p.Gln2272=)

Gene: VPS13B (vacuolar protein sorting 13 homolog B; plus strand). Cytogenetic location: 8q22.2.
Variant type: single nucleotide variant.
Coding change: c.6816A>G on transcript NM_152564.5 (MANE Select); coding-DNA position 6816, A replaced by G.
Protein change: p.Gln2272=; no amino-acid change (glutamine 2272 retained).
Molecular consequence: synonymous variant.
Genome position (GRCh38, 1-based): chr8:99,720,503, A>G. VCF-style: chr8-99720503-A-G. GRCh37 (hg19) VCF-style: chr8-100732731-A-G.
Other names: c.6891A>G, p.Gln2297= (NM_017890.5).
Identifiers: ClinVar variation 3348959 (VCV003348959.1).

ClinVar aggregate classification (germline): Likely benign (0 of 4 stars; one submission).

Conditions:
VPS13B-related disorder. Also called: VPS13B-related condition.

gnomAD v4.1: 1 of 1,614,036 alleles (0.000062%); highest among the groups gnomAD compares: Non-Finnish European, 0.000085%; no homozygotes.

Submission:

PreventionGenetics, part of Exact Sciences
Classification: Likely benign for VPS13B-related condition. Last evaluated: 2023-10-11. Review status: no assertion criteria provided. Collection method: clinical testing. Allele origin: germline.
Comment: This variant is classified as likely benign based on ACMG/AMP sequence variant interpretation guidelines (Richards et al. 2015 PMID: 25741868, with internal and published modifications).